The following is an entry in ClinVar:

NM_014423.4(AFF4):c.151C>T (p.Arg51Cys)

Gene: AFF4 (ALF transcription elongation factor 4; minus strand). Cytogenetic location: 5q31.1.
Variant type: single nucleotide variant.
Coding change: c.151C>T on transcript NM_014423.4 (MANE Select); coding-DNA position 151, C replaced by T.
Protein change: p.Arg51Cys; replaces arginine 51 with cysteine.
Molecular consequence: missense variant.
Genome position (GRCh38, 1-based): chr5:132,934,914, G>A on the plus strand (C>T on the coding strand, the complement: AFF4 is on the minus strand). VCF-style: chr5-132934914-G-A. GRCh37 (hg19) VCF-style: chr5-132270606-G-A.
Other names: short protein forms R51C.
Identifiers: ClinVar variation 5018828 (VCV005018828.2).

ClinVar aggregate classification (germline): Uncertain significance (1 of 4 stars; one submission).

Conditions:
Cognitive impairment - coarse facies - heart defects - obesity - pulmonary involvement - short stature - skeletal dysplasia syndrome. Also called: COGNITIVE IMPAIRMENT, COARSE FACIES, HEART DEFECTS, OBESITY, PULMONARY INVOLVEMENT, SHORT STATURE, AND SKELETAL DYSPLASIA; AFF4-Related CHOPS Syndrome; Chops syndrome. Identifiers: Orphanet 444077, MedGen C4085597, MONDO:0014609, OMIM 616368.

Submission:

Juno Genomics, Hangzhou Juno Genomics, Inc
Classification: Uncertain significance for Cognitive impairment - coarse facies - heart defects - obesity - pulmonary involvement - short stature - skeletal dysplasia syndrome. Review status: criteria provided, single submitter. Criteria: ACMG Guidelines, 2015. Collection method: clinical testing. Allele origin: germline.
Comment: Absent from controls (or at extremely low frequency if recessive) in Genome Aggregation Database.;Missense variant in a gene that has a low rate of benign missense variation.;Multiple lines of computational evidence support a deleterious effect on the gene or gene product.